The following is an entry in ClinVar:

NM_001081.4(CUBN):c.6764C>T (p.Pro2255Leu)

Gene: CUBN (cubilin; minus strand). Cytogenetic location: 10p13.
Variant type: single nucleotide variant.
Coding change: c.6764C>T on transcript NM_001081.4 (MANE Select); coding-DNA position 6764, C replaced by T.
Protein change: p.Pro2255Leu; replaces proline 2255 with leucine.
Molecular consequence: missense variant.
Genome position (GRCh38, 1-based): chr10:16,920,020, G>A on the plus strand (C>T on the coding strand, the complement: CUBN is on the minus strand). VCF-style: chr10-16920020-G-A. GRCh37 (hg19) VCF-style: chr10-16962019-G-A.
Other names: p.Pro2255Leu; short protein forms P2255L.
Identifiers: ClinVar variation 2683098 (VCV002683098.4), dbSNP rs368964066, ClinGen allele CA5423588.

ClinVar aggregate classification (germline): Uncertain significance. Review status: criteria provided, multiple submitters, no conflicts (2 of 4 stars). 4 submissions from 4 submitters: Uncertain significance (4). Last evaluated 2025-06-09.

Conditions:
Imerslund-Grasbeck syndrome. Also called: ENTEROCYTE COBALAMIN MALABSORPTION; ENTEROCYTE INTRINSIC FACTOR RECEPTOR, DEFECT OF; PERNICIOUS ANEMIA, JUVENILE, DUE TO SELECTIVE INTESTINAL MALABSORPTION OF VITAMIN B12, WITH PROTEINURIA; Megaloblastic anemia due to inborn errors of metabolism; Imerslund-Gräsbeck syndrome. Identifiers: Orphanet 35858, MedGen C4551825, MONDO:0009853.
Imerslund-Grasbeck syndrome type 1 (IGS1). Also called: Megaloblastic anemia 1, Finnish type; MEGALOBLASTIC ANEMIA, 1; Imerslund-Gräsbeck syndrome 1. Identifiers: MedGen C4016819, MONDO:0100156, OMIM 261100.

Allele frequency attached by ClinVar (database versions not stated): ExAC 0.00007; ESP Exome Variant Server 0.00023; TOPMed 0.00013; gnomAD 0.00015; 1000 Genomes Project 30x 0.00016; 1000 Genomes Project 0.00020.
gnomAD v4.1: 58 of 1,613,900 alleles (0.0036%); highest among the groups gnomAD compares: African/African-American, 0.056%; no homozygotes.

Submissions (4):

Labcorp Genetics (formerly Invitae), Labcorp
Classification: Uncertain significance for Imerslund-Grasbeck syndrome. Last evaluated: 2025-06-09. Review status: criteria provided, single submitter. Criteria: Invitae Variant Classification Sherloc (09022015). Collection method: clinical testing. Allele origin: germline.
Comment: This sequence change replaces proline, which is neutral and non-polar, with leucine, which is neutral and non-polar, at codon 2255 of the CUBN protein (p.Pro2255Leu). This variant is present in population databases (rs368964066, gnomAD 0.05%). This variant has not been reported in the literature in individuals affected with CUBN-related conditions. ClinVar contains an entry for this variant (Variation ID: 2683098). Invitae Evidence Modeling of protein sequence and biophysical properties (such as structural, functional, and spatial information, amino acid conservation, physicochemical variation, residue mobility, and thermodynamic stability) indicates that this missense variant is not expected to disrupt CUBN protein function with a negative predictive value of 80%. In summary, the available evidence is currently insufficient to determine the role of this variant in disease. Therefore, it has been classified as a Variant of Uncertain Significance.

Clinical Genomics Laboratory, Washington University in St. Louis
Classification: Uncertain significance for Imerslund-Grasbeck syndrome type 1. Last evaluated: 2025-02-07. Review status: criteria provided, single submitter. Criteria: ACMG Guidelines, 2015. Collection method: clinical testing. Allele origin: germline.
Comment: A CUBN c.6764C>T (p.Pro2255Leu) variant was identified in a heterozgyous state. This variant, to our knowledge, has not been reported in the medical literature. It has been reported in the ClinVar database as a germline variant of uncertain significance by two submitters (ClinVar variation ID: 2683098). This variant is only observed on 15/282,712 alleles in the general population (gnomAD v.2.1.1), indicating it is not a common variant. Computational predictors suggest that the variant does not impact CUBN function. Due to limited information, and based on ACMG/AMP guidelines for variant interpretation (Richards S et al., PMID: 25741868), the clinical significance of this variant is uncertain at this time.

GeneDx
Classification: Uncertain significance. Last evaluated: 2024-04-30. Review status: criteria provided, single submitter. Criteria: GeneDx Variant Classification Process June 2021. Collection method: clinical testing. Allele origin: germline. Affected: yes.
Comment: In silico analysis indicates that this missense variant does not alter protein structure/function; Has not been previously published as pathogenic or benign to our knowledge

Mayo Clinic Laboratories, Mayo Clinic
Classification: Uncertain significance. Last evaluated: 2023-03-31. Review status: criteria provided, single submitter. Criteria: ACMG Guidelines, 2015. Collection method: clinical testing. Allele origin: germline. Observed: 1 variant allele.
Comment: BP4